The following is an entry in ClinVar:

NM_000360.4(TH):c.397C>T (p.Arg133Cys)

Gene: TH (tyrosine hydroxylase; minus strand). Cytogenetic location: 11p15.5.
Variant type: single nucleotide variant.
Coding change: c.397C>T on transcript NM_000360.4 (MANE Select); coding-DNA position 397, C replaced by T.
Protein change: p.Arg133Cys; replaces arginine 133 with cysteine.
Molecular consequence: missense variant.
Genome position (GRCh38, 1-based): chr11:2,168,581, G>A on the plus strand (C>T on the coding strand, the complement: TH is on the minus strand). VCF-style: chr11-2168581-G-A. GRCh37 (hg19) VCF-style: chr11-2189811-G-A.
Other names: c.490C>T, p.Arg164Cys (NM_199292.3); c.478C>T, p.Arg160Cys (NM_199293.3); c.490C>T (NM_199292.2); short protein forms R160C, R133C, R164C.
Identifiers: ClinVar variation 2055843 (VCV002055843.2), dbSNP rs369814887, ClinGen allele CA5818682.

ClinVar aggregate classification (germline): Uncertain significance. Review status: criteria provided, multiple submitters, no conflicts (2 of 4 stars). 2 submissions from 2 submitters: Uncertain significance (2). Last evaluated 2024-12-14.

Conditions:
TH-deficient dopa-responsive dystonia. Also called: Tyrosine Hydroxylase-Deficient Dopa-Responsive Dystonia; Segawa syndrome, autosomal recessive; DYT-TH. Identifiers: Orphanet 101150, MedGen C2673535, MONDO:0011551, OMIM 605407.
Inborn genetic diseases. Identifiers: MedGen C0950123, MeSH D030342.

Allele frequency attached by ClinVar (database versions not stated): ExAC 0.00004; gnomAD 0.00007; TOPMed 0.00011; ESP Exome Variant Server 0.00015.
gnomAD v4.1: 39 of 1,611,630 alleles (0.0024%); highest among the groups gnomAD compares: Admixed American, 0.022%; no homozygotes.

Submissions (2):

Ambry Genetics
Classification: Uncertain significance for Inborn genetic diseases. Last evaluated: 2024-12-14. Review status: criteria provided, single submitter. Criteria: Ambry Variant Classification Scheme 2023. Collection method: clinical testing. Allele origin: germline.

Labcorp Genetics (formerly Invitae), Labcorp
Classification: Uncertain significance for TH-deficient dopa-responsive dystonia. Last evaluated: 2022-07-19. Review status: criteria provided, single submitter. Criteria: Invitae Variant Classification Sherloc (09022015). Collection method: clinical testing. Allele origin: germline.
Comment: This sequence change replaces arginine, which is basic and polar, with cysteine, which is neutral and slightly polar, at codon 164 of the TH protein (p.Arg164Cys). This variant is present in population databases (rs369814887, gnomAD 0.02%). This variant has not been reported in the literature in individuals affected with TH-related conditions. Algorithms developed to predict the effect of missense changes on protein structure and function (SIFT, PolyPhen-2, Align-GVGD) all suggest that this variant is likely to be tolerated. In summary, the available evidence is currently insufficient to determine the role of this variant in disease. Therefore, it has been classified as a Variant of Uncertain Significance.